The following is an entry in ClinVar:

ClinVar aggregate classification (germline): Likely pathogenic (1 of 4 stars; one submission).

Conditions:
CTCF-related neurodevelopmental disorder. Also called: INTELLECTUAL DEVELOPMENTAL DISORDER, AUTOSOMAL DOMINANT 21; Intellectual disability-feeding difficulties-developmental delay-microcephaly syndrome. Identifiers: Orphanet 363611, MedGen C3809686, MONDO:0014213, OMIM 615502.

Submission:

Greenwood Genetic Center Diagnostic Laboratories, Greenwood Genetic Center
Classification: Likely pathogenic for CTCF-related neurodevelopmental disorder. Last evaluated: 2023-06-12. Review status: criteria provided, single submitter. Criteria: ACMG Guidelines, 2015. Collection method: clinical testing. Allele origin: germline. Affected: yes.
Comment: PVS1, PM2

NM_006565.4(CTCF):c.721_722del (p.Asn241fs)

Gene: CTCF (CCCTC-binding factor; plus strand). Cytogenetic location: 16q22.1.
Variant type: Deletion.
Coding change: c.721_722del on transcript NM_006565.4 (MANE Select); coding-DNA positions 721 to 722, 2 bases deleted (AA; older notation c.721_722delAA).
Protein change: p.Asn241fs; shifts the reading frame from asparagine 241.
Molecular consequence: frameshift variant. On other transcripts: intron variant (1).
Genome position (GRCh38, 1-based): chr16:67,611,553-67,611,554, AA deleted. VCF-style (leftmost placement, unchanged base first): chr16-67611552-TAA-T. GRCh37 (hg19) VCF-style: chr16-67645455-TAA-T.
Other names: c.721_722delAA, p.Asn241Cysfs (NM_001363916.2); c.-32-5192_-32-5191del (NM_001191022.2); short protein forms N241fs.
Identifiers: ClinVar variation 2572267 (VCV002572267.1), dbSNP rs2543449850, ClinGen allele CA2580613886.